The following is an entry in ClinVar:

ClinVar aggregate classification (germline): Uncertain significance. Review status: criteria provided, multiple submitters, no conflicts (2 of 4 stars). 2 submissions from 2 submitters: Uncertain significance (2). Last evaluated 2025-11-11.

Allele frequency attached by ClinVar (database versions not stated): gnomAD 0.00009; ExAC 0.00001; TOPMed 0.00030; gnomAD exomes 0.00001.
gnomAD v4.1: 31 of 1,605,920 alleles (0.0019%); highest among the groups gnomAD compares: Admixed American, 0.032%; no homozygotes.

Submissions (2):

Ambry Genetics
Classification: Uncertain significance. Last evaluated: 2025-11-11. Review status: criteria provided, single submitter. Criteria: Ambry Variant Classification Scheme 2023. Collection method: clinical testing. Allele origin: germline.

GeneDx
Classification: Uncertain significance. Last evaluated: 2024-07-09. Review status: criteria provided, single submitter. Criteria: GeneDx Variant Classification Process June 2021. Collection method: clinical testing. Allele origin: germline. Affected: yes.
Comment: Not observed at significant frequency in large population cohorts (gnomAD); In silico analysis supports that this missense variant has a deleterious effect on protein structure/function; Has not been previously published as pathogenic or benign to our knowledge

NM_007208.4(MRPL3):c.554C>T (p.Ala185Val)

Gene: MRPL3 (mitochondrial ribosomal protein L3; minus strand). Cytogenetic location: 3q22.1.
Variant type: single nucleotide variant.
Coding change: c.554C>T on transcript NM_007208.4 (MANE Select); coding-DNA position 554, C replaced by T.
Protein change: p.Ala185Val; replaces alanine 185 with valine.
Molecular consequence: missense variant.
Genome position (GRCh38, 1-based): chr3:131,489,995, G>A on the plus strand (C>T on the coding strand, the complement: MRPL3 is on the minus strand). VCF-style: chr3-131489995-G-A. GRCh37 (hg19) VCF-style: chr3-131208839-G-A.
Other names: short protein forms A185V.
Identifiers: ClinVar variation 3207356 (VCV003207356.3), dbSNP rs767055598, ClinGen allele CA2617078.